The following is an entry in ClinVar:

NM_001127222.2(CACNA1A):c.4310A>G (p.Lys1437Arg)

Gene: CACNA1A (calcium voltage-gated channel subunit alpha1 A; minus strand). Cytogenetic location: 19p13.13.
Variant type: single nucleotide variant.
Coding change: c.4310A>G on transcript NM_001127222.2 (MANE Select); coding-DNA position 4310, A replaced by G.
Protein change: p.Lys1437Arg; replaces lysine 1437 with arginine.
Molecular consequence: missense variant.
Genome position (GRCh38, 1-based): chr19:13,259,642, T>C on the plus strand (A>G on the coding strand, the complement: CACNA1A is on the minus strand). VCF-style: chr19-13259642-T-C. GRCh37 (hg19) VCF-style: chr19-13370456-T-C.
Other names: c.4322A>G, p.Lys1441Arg (NM_000068.4, NM_023035.3); c.4313A>G, p.Lys1438Arg (NM_001127221.2, NM_001174080.2); short protein forms K1437R, K1438R, K1441R.
Identifiers: ClinVar variation 3751143 (VCV003751143.3).

ClinVar aggregate classification (germline): Conflicting classifications of pathogenicity. Review status: criteria provided, conflicting classifications (1 of 4 stars). 2 submissions from 2 submitters: Uncertain significance (1); Likely benign (1). Last evaluated 2024-12-07.

Conditions:
Episodic ataxia type 2 (EA2). Also called: ATAXIA, EPISODIC, WITH NYSTAGMUS; ATAXIA, FAMILIAL PAROXYSMAL; ACETAZOLAMIDE-RESPONSIVE HEREDITARY PAROXYSMAL CEREBELLAR ATAXIA; CEREBELLAR ATAXIA, PAROXYSMAL, ACETAZOLAMIDE-RESPONSIVE; CEREBELLOPATHY, HEREDITARY PAROXYSMAL; EPISODIC ATAXIA, NYSTAGMUS-ASSOCIATED. Identifiers: Orphanet 97, MedGen C1720416, MONDO:0007163, OMIM 108500.
Developmental and epileptic encephalopathy, 42 (DEE42A). Also called: Epileptic encephalopathy, early infantile, 42; DEVELOPMENTAL AND EPILEPTIC ENCEPHALOPATHY 42A; EPILEPTIC ENCEPHALOPATHY, EARLY INFANTILE, 42A. Identifiers: MedGen C4310716, MONDO:0014917, OMIM 617106.

gnomAD v4.1: 3 of 1,610,956 alleles (0.00019%); highest among the groups gnomAD compares: South Asian, 0.0011%; no homozygotes.

Submissions (2):

GeneDx
Classification: Uncertain significance. Last evaluated: 2024-12-07. Review status: criteria provided, single submitter. Criteria: GeneDx Variant Classification Process June 2021. Collection method: clinical testing. Allele origin: germline. Affected: yes.
Comment: Not observed at significant frequency in large population cohorts (gnomAD); In silico analysis supports that this missense variant has a deleterious effect on protein structure/function; In silico analysis supports a deleterious effect on splicing; Has not been previously published as pathogenic or benign to our knowledge

Labcorp Genetics (formerly Invitae), Labcorp
Classification: Likely benign for Developmental and epileptic encephalopathy, 42; Episodic ataxia type 2. Last evaluated: 2024-08-31. Review status: criteria provided, single submitter. Criteria: Invitae Variant Classification Sherloc (09022015). Collection method: clinical testing. Allele origin: germline.